The following is an entry in ClinVar:

NM_005343.4(HRAS):c.217_218insCGGCCAGCGCCATGCGGGACCAGTACATGC (p.Met72_Arg73insProAlaSerAlaMetArgAspGlnTyrMet)

Genes: LRRC56 (leucine rich repeat containing 56; plus strand), HRAS (HRas proto-oncogene, GTPase; minus strand). Cytogenetic location: 11p15.5.
Variant type: Insertion.
Coding change: c.217_218insCGGCCAGCGCCATGCGGGACCAGTACATGC on transcript NM_005343.4 (MANE Select); coding-DNA positions 217 to 218, CGGCCAGCGCCATGCGGGACCAGTACATGC inserted.
Protein change: p.Met72_Arg73insProAlaSerAlaMetArgAspGlnTyrMet.
Molecular consequence: inframe insertion. On other transcripts: 5 prime UTR variant (1), intron variant (2).
Genome position: GRCh38 VCF-style: chr11-533838-C-CGCATGTACTGGTCCCGCATGGCGCTGGCCG. GRCh37 (hg19) VCF-style: chr11-533838-C-CGCATGTACTGGTCCCGCATGGCGCTGGCCG.
Other names: c.217_218insCGGCCAGCGCCATGCGGGACCAGTACATGC, p.Met72_Arg73insProAlaSerAlaMetArgAspGlnTyrMet (NM_001130442.3, NM_176795.5); c.-103_-102insCGGCCAGCGCCATGCGGGACCAGTACATGC (NM_001318054.2); c.-162+5527_-162+5528insGCCGGCATGTACTGGTCCCGCATGGCGCTG (NM_001441284.1, NM_001441286.1).
Identifiers: ClinVar variation 4279988 (VCV004279988.1).

ClinVar aggregate classification (germline): Likely pathogenic (1 of 4 stars; one submission).

Conditions:
Vascular malformation. Also called: Vascular malformations. Identifiers: MedGen C0158570, MONDO:0024291.

Submission:

Clinical Genomics Laboratory, Washington University in St. Louis
Classification: Likely pathogenic for Vascular malformation. Last evaluated: 2025-08-07. Review status: criteria provided, single submitter. Criteria: Leon-Quintero et al. (Clin Genet. 2025). Collection method: clinical testing. Allele origin: somatic. Affected: yes.
Comment: An HRAS c.217_218insCGGCCAGCGCCATGCGGACCAGTACATGC (p.Met72_Arg73insProAlaSerAlaMetArgAspGlnTyrMet) variant was identified at an allelic fraction consistent with somatic origin. This exact variant, to our knowledge, has not been reported in the medical literature but many similar inframe indels in this region have been reported in individuals with vascular malformations (Claire Hou YC et al., PMID: 36571464; Schmidt VF et al., PMID: 38563363). The HRAS c.217_218insCGGCCAGCGCCATGCGGACCAGTACATGC (p.Met72_Arg73insProAlaSerAlaMetArgAspGlnTyrMet) variant is absent from the general population (gnomAD v4.1.0), indicating it is not a common variant. It resides within a region, the switch II domain, of HRAS that is defined as a region critical for binding regulator and effector proteins (Vetter IR et al., PMID: 11701921). This variant is predicted to cause a change in the length of the protein due to an insertion of 30 nucleotides in a non-repeat region. Functional studies performed on insertion/deletion variants in the HRAS switch II domain have demonstrated that these variants lead to increased RAS signaling (Eijkelenboom A et al., PMID: 31160609). Based on an internally developed protocol informed by the ACMG/AMP guidelines (Leon-Quintero FZ, et al., PMID: 39434542) and gene-specific practices from the ClinGen Criteria Specification Registry, the HRAS c.217_218insCGGCCAGCGCCATGCGGACCAGTACATGC (p.Met72_Arg73insProAlaSerAlaMetArgAspGlnTyrMet) variant is classified as likely pathogenic.